The following is an entry in ClinVar:

ClinVar aggregate classification (germline): Pathogenic (0 of 4 stars; one submission).

Conditions:
IFT140-related disorder. Also called: IFT140-related condition.

Submission:

PreventionGenetics, part of Exact Sciences
Classification: Pathogenic for IFT140-related condition. Last evaluated: 2024-04-04. Review status: no assertion criteria provided. Collection method: clinical testing. Allele origin: germline.
Comment: The IFT140 c.1727_1746dup20 variant is predicted to result in a frameshift and premature protein termination (p.Thr583Glyfs*34). To our knowledge, this variant has not been reported in the literature or in a large population database, indicating this variant is rare. Frameshift variants in IFT140 are expected to be pathogenic. This variant is interpreted as pathogenic for both autosomal dominant and autosomal recessive IFT140-related disorders.

NM_014714.4(IFT140):c.1727_1746dup (p.Thr583fs)

Gene: IFT140 (intraflagellar transport 140; minus strand). Cytogenetic location: 16p13.3.
Variant type: Duplication.
Coding change: c.1727_1746dup on transcript NM_014714.4 (MANE Select); coding-DNA positions 1727 to 1746, 20 bases duplicated (GGTGCAGCAGCAGCGGGAGC).
Protein change: p.Thr583fs; shifts the reading frame from threonine 583.
Molecular consequence: frameshift variant.
Genome position (GRCh38, 1-based): chr16:1,568,241-1,568,260, GCTCCCGCTGCTGCTGCACC duplicated on the plus strand (GGTGCAGCAGCAGCGGGAGC on the coding strand, the reverse complement: IFT140 is on the minus strand); duplicating any 20 consecutive bases within chr16:1,568,241-1,568,262 gives the same sequence; the c. name uses the placement nearest the transcript's 3' end. VCF-style (leftmost placement, unchanged base first): chr16-1568240-T-TGCTCCCGCTGCTGCTGCACC. GRCh37 (hg19) VCF-style: chr16-1618241-T-TGCTCCCGCTGCTGCTGCACC.
Other names: short protein forms T583fs.
Identifiers: ClinVar variation 3345982 (VCV003345982.1).